The following is an entry in ClinVar:

ClinVar aggregate classification (germline): Uncertain significance. Review status: criteria provided, multiple submitters, no conflicts (2 of 4 stars). 4 submissions from 4 submitters: Uncertain significance (4). Last evaluated 2025-06-11.

Conditions:
Inborn genetic diseases. Identifiers: MedGen C0950123, MeSH D030342.
Familial X-linked hypophosphatemic vitamin D refractory rickets (XLHRD). Also called: X-Linked Hypophosphatemia; Hypophosphatemic Rickets, X-Linked Dominant; Hypophosphatemia, vitamin D-resistant rickets; Vitamin D-resistant rickets, X-linked; HYPOPHOSPHATEMIC VITAMIN D-RESISTANT RICKETS. Identifiers: Orphanet 89936, MedGen C0733682, MONDO:0010619, OMIM 307800.

Allele frequency attached by ClinVar (database versions not stated): gnomAD exomes 0.00001; gnomAD 0.00002; TOPMed 0.00002; ExAC 0.00005.
gnomAD v4.1: 10 of 1,202,724 alleles (0.00083%); highest among the groups gnomAD compares: Admixed American, 0.022%; no homozygotes.

Submissions (4):

Labcorp Genetics (formerly Invitae), Labcorp
Classification: Uncertain significance. Last evaluated: 2025-06-11. Review status: criteria provided, single submitter. Criteria: Invitae Variant Classification Sherloc (09022015). Collection method: clinical testing. Allele origin: germline.
Comment: This sequence change replaces leucine, which is neutral and non-polar, with phenylalanine, which is neutral and non-polar, at codon 118 of the PHEX protein (p.Leu118Phe). This variant is present in population databases (rs772238348, gnomAD 0.03%), including at least one homozygous and/or hemizygous individual. This variant has not been reported in the literature in individuals affected with PHEX-related conditions. ClinVar contains an entry for this variant (Variation ID: 1944411). An algorithm developed to predict the effect of missense changes on protein structure and function (PolyPhen-2) suggests that this variant is likely to be disruptive. In summary, the available evidence is currently insufficient to determine the role of this variant in disease. Therefore, it has been classified as a Variant of Uncertain Significance.

Ambry Genetics
Classification: Uncertain significance for Inborn genetic diseases. Last evaluated: 2024-07-16. Review status: criteria provided, single submitter. Criteria: Ambry Variant Classification Scheme 2023. Collection method: clinical testing. Allele origin: germline.

Fulgent Genetics
Classification: Uncertain significance for Familial X-linked hypophosphatemic vitamin D refractory rickets. Last evaluated: 2023-12-27. Review status: criteria provided, single submitter. Criteria: ACMG Guidelines, 2015. Collection method: clinical testing. Allele origin: germline.

Daryl Scott Lab, Baylor College of Medicine
Classification: Uncertain significance for Familial X-linked hypophosphatemic vitamin D refractory rickets. Review status: criteria provided, single submitter. Criteria: ACMG Guidelines, 2015. Collection method: clinical testing. Allele origin: maternal. Affected: yes. Observed: 1 hemizygote.
Comment: BS2

NM_000444.6(PHEX):c.352C>T (p.Leu118Phe)

Gene: PHEX (phosphate regulating endopeptidase X-linked; plus strand). Cytogenetic location: Xp22.11.
Variant type: single nucleotide variant.
Coding change: c.352C>T on transcript NM_000444.6 (MANE Select); coding-DNA position 352, C replaced by T.
Protein change: p.Leu118Phe; replaces leucine 118 with phenylalanine.
Molecular consequence: missense variant.
Genome position (GRCh38, 1-based): chrX:22,076,390, C>T. VCF-style: chrX-22076390-C-T. GRCh37 (hg19) VCF-style: chrX-22094508-C-T.
Other names: c.352C>T (NM_000444.4); c.352C>T, p.Leu118Phe (NM_001282754.2); short protein forms L118F.
Identifiers: ClinVar variation 1944411 (VCV001944411.8), dbSNP rs772238348, ClinGen allele CA10368024.
Genomic context (GRCh38, chrX:22,076,390, plus strand): 5'-TTCCAACTTGGCACCATATGTGGGTGGATACTAATGAATCCTTTCTTAACCTTCCCAGAA[C>T]TTTTGGAGAAATCAATCAGTAGAAGGCGGGACACCGAAGCCATACAGAAAGCCAAAATCC-3'
Protein context (NP_000435.3, residues 108-128): RHNVDLKLKE[Leu118Phe]LEKSISRRRD